The following is an entry in ClinVar:

ClinVar aggregate classification (germline): Pathogenic (1 of 4 stars; one submission).

Conditions:
Rubinstein-Taybi syndrome (RSTS). Identifiers: Orphanet 783, MedGen C0035934, MONDO:0019188.

Submission:

Labcorp Genetics (formerly Invitae), Labcorp
Classification: Pathogenic for Rubinstein-Taybi syndrome. Last evaluated: 2021-02-19. Review status: criteria provided, single submitter. Criteria: Invitae Variant Classification Sherloc (09022015). Collection method: clinical testing. Allele origin: germline.
Comment: This variant is a gross deletion of the genomic region encompassing exon(s) 1-2 of the CREBBP gene, which includes the initiator codon. The 5' end of this event is unknown as it extends beyond the assayed region for this gene and therefore may encompass additional genes. The 3' boundary is likely confined to intron 2 of the CREBBP gene. It is expected to result in an absent or disrupted protein product. Loss-of-function variants in CREBBP are known to be pathogenic (PMID: 17052327, 18792986). For these reasons, this variant has been classified as Pathogenic. Similar copy number variants have been observed in individual(s) with Rubinstein-Taybi syndrome (PMID: 15706485, 25805166).

Literature cited by the submitters: PubMed 17052327; PubMed 18792986; PubMed 15706485; PubMed 25805166.

NC_000016.9:g.(?_3900278)_(3929917_?)del

Gene: CREBBP (CREB binding lysine acetyltransferase; minus strand). Cytogenetic location: 16p13.3.
Variant type: Deletion.
Identifiers: ClinVar variation 1458408 (VCV001458408.6).